The following is an entry in ClinVar:

NM_004364.5(CEBPA):c.96del (p.Arg35fs)

Gene: CEBPA (CCAAT enhancer binding protein alpha; minus strand). Cytogenetic location: 19q13.11.
Variant type: Deletion.
Coding change: c.96del on transcript NM_004364.5 (MANE Select); coding-DNA position 96, one base deleted (C; older notation c.96delC).
Protein change: p.Arg35fs; shifts the reading frame from arginine 35.
Molecular consequence: frameshift variant. On other transcripts: 5 prime UTR variant (1).
Genome position (GRCh38, 1-based): chr19:33,302,319, G deleted on the plus strand (C on the coding strand, the reverse complement: CEBPA is on the minus strand). VCF-style (leftmost placement, unchanged base first): chr19-33302318-AG-A. GRCh37 (hg19) VCF-style: chr19-33793224-AG-A.
Other names: c.-262del (NM_001285829.2); c.201del, p.Arg70fs (NM_001287424.2); c.54del, p.Arg21fs (NM_001287435.2); short protein forms R21fs, R35fs, R70fs.
Identifiers: ClinVar variation 4719150 (VCV004719150.1).
Genomic context (GRCh38, chr19:33,302,318, plus strand): 5'-CCAGCGGCTCCGGGGCGGCAGGTGGGGCGGGAGGCTGCGCGGGGCCCGCGCCCCGGGGAA[AG>A]CCGAAGGCGGCGCTGCTGGGCGCGTGCGGGGGGCTCTGCAGGTGGCTGCTCATCGGGGGC-3'

ClinVar aggregate classification (germline): Pathogenic (1 of 4 stars; one submission).

Conditions:
Acute myeloid leukemia (AML). Also called: Acute myeloid leukemia, adult; AML adult; Acute non-lymphocytic leukemia; Acute granulocytic leukemia; Leukemia, acute myeloid, somatic; Leukemia, acute myelogenous, somatic. Identifiers: Orphanet 519, MedGen C0023467, MeSH D015470, MONDO:0018874, OMIM 601626, HP:0004808. Disease mechanism: Constitutively activated FLT3.

Submission:

Labcorp Genetics (formerly Invitae), Labcorp
Classification: Pathogenic for Acute myeloid leukemia. Last evaluated: 2025-05-07. Review status: criteria provided, single submitter. Criteria: Invitae Variant Classification Sherloc (09022015). Collection method: clinical testing. Allele origin: germline.
Comment: This sequence change creates a premature translational stop signal (p.Arg35Glyfs*125) in the CEBPA gene. While this is not anticipated to result in nonsense mediated decay, it is expected to disrupt the last 324 amino acid(s) of the CEBPA protein. This variant is not present in population databases (gnomAD no frequency). This premature translational stop signal has been observed in individual(s) with familial acute myeloid leukemia (PMID: 31477806). This variant disrupts the production of the full length isoform (p42) of the CEBPA protein, which results in the preferential usage of an alternate downstream in-frame methionine at codon 120. Translation starting from this methionine results in a 30 kDa N-terminal truncated isoform of CEBPA that lacks the TAD1 domain, and has been shown to abrogate CEBPA function by acting as a dominant-negative allele (PMID: 11242107, 19953636, 26162409). While functional studies have not been performed to directly test the effect of this variant on CEBPA protein function, this suggests that disruption of this region of the protein is causative of disease. This variant disrupts the region of the CEBPA protein between codon 15 and 119. Other variants in this region have been observed in individuals with autosomal dominant CEBPA-related conditions (PMID: 11242107, 31867767, 32430494, internal data), which suggests that this may be a clinically significant region of the protein. For these reasons, this variant has been classified as Pathogenic.

Literature cited by the submitters: PubMed 31477806; PubMed 11242107; PubMed 19953636; PubMed 26162409; PubMed 31867767; PubMed 32430494.